The following is an entry in ClinVar:

NM_014363.6(SACS):c.10933del (p.Phe3644_Leu3645insTer)

Gene: SACS (sacsin molecular chaperone; minus strand). Cytogenetic location: 13q12.12.
Variant type: Deletion.
Coding change: c.10933del on transcript NM_014363.6 (MANE Select); coding-DNA position 10933, one base deleted (C; older notation c.10933delC).
Protein change: p.Phe3644_Leu3645insTer.
Molecular consequence: nonsense.
Genome position (GRCh38, 1-based): chr13:23,332,943, G deleted on the plus strand (C on the coding strand, the reverse complement: SACS is on the minus strand). VCF-style (leftmost placement, unchanged base first): chr13-23332942-AG-A. GRCh37 (hg19) VCF-style: chr13-23907081-AG-A.
Other names: c.10492del, p.Phe3497_Leu3498insTer (NM_001278055.2).
Identifiers: ClinVar variation 574684 (VCV000574684.9), dbSNP rs1566058677, ClinGen allele CA891844569.

ClinVar aggregate classification (germline): Pathogenic/Likely pathogenic. Review status: criteria provided, multiple submitters, no conflicts (2 of 4 stars). 2 submissions from 2 submitters: Pathogenic (1); Likely pathogenic (1). Last evaluated 2024-02-20.

Conditions:
SACS-related disorder. Also called: SACS-related condition.
Spastic paraplegia. Identifiers: MedGen C0037772, HP:0001258.

Allele frequency attached by ClinVar (database versions not stated): gnomAD exomes below 0.00001.

Submissions (2):

Labcorp Genetics (formerly Invitae), Labcorp
Classification: Pathogenic for Spastic paraplegia. Last evaluated: 2024-02-20. Review status: criteria provided, single submitter. Criteria: Invitae Variant Classification Sherloc (09022015). Collection method: clinical testing. Allele origin: germline.
Comment: This sequence change creates a premature translational stop signal (p.Leu3645*) in the SACS gene. While this is not anticipated to result in nonsense mediated decay, it is expected to disrupt the last 935 amino acid(s) of the SACS protein. This variant is not present in population databases (gnomAD no frequency). This variant has not been reported in the literature in individuals affected with SACS-related conditions. ClinVar contains an entry for this variant (Variation ID: 574684). This variant disrupts a region of the SACS protein in which other variant(s) (p.Arg3903*) have been determined to be pathogenic (PMID: 19892370, 21745802). This suggests that this is a clinically significant region of the protein, and that variants that disrupt it are likely to be disease-causing. For these reasons, this variant has been classified as Pathogenic.

Blueprint Genetics
Classification: Likely pathogenic for SACS-related disorders. Last evaluated: 2023-10-19. Review status: criteria provided, single submitter. Criteria: ACMG Guidelines, 2015. Collection method: clinical testing. Allele origin: germline. Affected: yes. Observed: 1 variant allele.

Literature cited by the submitters: PubMed 19892370 (cited by Labcorp Genetics (formerly Invitae), Labcorp); PubMed 21745802 (cited by Labcorp Genetics (formerly Invitae), Labcorp).